The following is an entry in ClinVar:

NM_000169.3(GLA):c.673C>G (p.His225Asp)

Genes: GLA (galactosidase alpha; minus strand), RPL36A-HNRNPH2 (RPL36A-HNRNPH2 readthrough; plus strand). Cytogenetic location: Xq22.1.
Variant type: single nucleotide variant.
Coding change: c.673C>G on transcript NM_000169.3 (MANE Select); coding-DNA position 673, C replaced by G.
Protein change: p.His225Asp; replaces histidine 225 with aspartic acid.
Molecular consequence: missense variant. On other transcripts: non-coding transcript variant (3), intron variant (2).
Genome position (GRCh38, 1-based): chrX:101,398,913, G>C on the plus strand (C>G on the coding strand, the complement: GLA is on the minus strand). VCF-style: chrX-101398913-G-C. GRCh37 (hg19) VCF-style: chrX-100653901-G-C.
Other names: c.796C>G, p.His266Asp (NM_001406747.1); c.673C>G, p.His225Asp (NM_001406748.1); c.300+3456G>C (NM_001199973.2); c.177+7091G>C (NM_001199974.2); short protein forms H225D, H266D.
Identifiers: ClinVar variation 945639 (VCV000945639.12), dbSNP rs1928196686, ClinGen allele CA413924951.

ClinVar aggregate classification (germline): Likely pathogenic. Review status: criteria provided, multiple submitters, no conflicts (2 of 4 stars). 2 submissions from 2 submitters: Likely pathogenic (2). Last evaluated 2026-09-08.

Conditions:
Fabry disease. Also called: Fabry's disease; ANDERSON-FABRY DISEASE; CERAMIDE TRIHEXOSIDASE DEFICIENCY; Angiokeratoma corporis diffusum; GLA DEFICIENCY; HEREDITARY DYSTOPIC LIPIDOSIS. Identifiers: Orphanet 324, MedGen C0002986, MONDO:0010526, OMIM 301500, HP:0001071. Disease mechanism: loss of function, Fabry disease is due to inactivating mutations in the X-linked GLA gene resulting in deficiency of the enzyme Alpha Galactosidase-A..

Submissions (2):

Genomenon, Inc
Classification: Likely pathogenic for Fabry disease. Last evaluated: 2026-09-08. Review status: criteria provided, single submitter. Criteria: Genomenon Sequence Variant Interpretation Standards - Updated. Collection method: curation. Allele origin: germline. Affected: yes.
Comment: GLA p.His225Asp (c.673C>G) is a missense variant that changes the amino acid at codon 225 from Histidine to Aspartic acid. This variant has been observed in at least one proband with clinical features consistent with Fabry disease (PMID:28682471;39362930). Functional or patient cell studies have been reported (PMID:32023956;23935525;27657681;28682471). This variant is located in a mutational hotspot and/or important functional domain. It is absent or not present at a significant frequency in gnomAD. In silico models predict that this variant is possibly or probably damaging. In conclusion, we classify GLA p.His225Asp (c.673C>G) as a likely pathogenic variant.

Labcorp Genetics (formerly Invitae), Labcorp
Classification: Likely pathogenic for Fabry disease. Last evaluated: 2026-01-05. Review status: criteria provided, single submitter. Criteria: Invitae Variant Classification Sherloc (09022015). Collection method: clinical testing. Allele origin: germline.
Comment: This sequence change replaces histidine, which is basic and polar, with aspartic acid, which is acidic and polar, at codon 225 of the GLA protein (p.His225Asp). This variant is not present in population databases (gnomAD no frequency). This missense change has been observed in individual(s) with Fabry disease (PMID: 23935525, 28682471, 39362930). ClinVar contains an entry for this variant (Variation ID: 945639). Invitae Evidence Modeling of protein sequence and biophysical properties (such as structural, functional, and spatial information, amino acid conservation, physicochemical variation, residue mobility, and thermodynamic stability) indicates that this missense variant is not expected to disrupt GLA protein function with a negative predictive value of 80%. Experimental studies have shown that this missense change affects GLA function (PMID: 23935525, 32023956). This variant disrupts the p.His225 amino acid residue in GLA. Other variant(s) that disrupt this residue have been determined to be pathogenic (PMID: 16224739, 18698230). This suggests that this residue is clinically significant, and that variants that disrupt this residue are likely to be disease-causing. In summary, the currently available evidence indicates that the variant is pathogenic, but additional data are needed to prove that conclusively. Therefore, this variant has been classified as Likely Pathogenic.

Literature cited by the submitters: PubMed 28682471 (cited by Genomenon, Inc and Labcorp Genetics (formerly Invitae), Labcorp); PubMed 39362930 (cited by Genomenon, Inc and Labcorp Genetics (formerly Invitae), Labcorp); PubMed 32023956 (cited by Genomenon, Inc and Labcorp Genetics (formerly Invitae), Labcorp); PubMed 23935525 (cited by Genomenon, Inc and Labcorp Genetics (formerly Invitae), Labcorp); PubMed 27657681 (cited by Genomenon, Inc); PubMed 16224739 (cited by Labcorp Genetics (formerly Invitae), Labcorp); PubMed 18698230 (cited by Labcorp Genetics (formerly Invitae), Labcorp).